The following is an entry in ClinVar:

NM_014795.4(ZEB2):c.1517C>T (p.Pro506Leu)

Gene: ZEB2 (zinc finger E-box binding homeobox 2; minus strand). Cytogenetic location: 2q22.3.
Variant type: single nucleotide variant.
Coding change: c.1517C>T on transcript NM_014795.4 (MANE Select); coding-DNA position 1517, C replaced by T.
Protein change: p.Pro506Leu; replaces proline 506 with leucine.
Molecular consequence: missense variant.
Genome position (GRCh38, 1-based): chr2:144,399,670, G>A on the plus strand (C>T on the coding strand, the complement: ZEB2 is on the minus strand). VCF-style: chr2-144399670-G-A. GRCh37 (hg19) VCF-style: chr2-145157237-G-A.
Other names: c.1445C>T, p.Pro482Leu (NM_001171653.2); short protein forms P482L, P506L.
Identifiers: ClinVar variation 2845212 (VCV002845212.3), dbSNP rs2549106752, ClinGen allele CA348711209.
Genomic context (GRCh38, chr2:144,399,670, plus strand): 5'-ATAATACTTTTAGTGGCACCATTATGACTCACTACCGGAAGACCGACAGGCGGAATATTA[G>A]GAGAAGTAACTCCTTGTTCCTCAGGTTGAGAGCATGGATCCTTCATGTGATAACCTTTCA-3'
Protein context (NP_055610.1, residues 496-516): SQPEEQGVTS[Pro506Leu]NIPPVGLPVV

ClinVar aggregate classification (germline): Uncertain significance (1 of 4 stars; one submission).

Conditions:
Mowat-Wilson syndrome (MOWS). Also called: Classic Mowat-Wilson Syndrome. Identifiers: Orphanet 2152, MedGen C1856113, MONDO:0009341, OMIM 235730.

Submission:

Labcorp Genetics (formerly Invitae), Labcorp
Classification: Uncertain significance for Mowat-Wilson syndrome. Last evaluated: 2023-03-22. Review status: criteria provided, single submitter. Criteria: Invitae Variant Classification Sherloc (09022015). Collection method: clinical testing. Allele origin: germline.
Comment: In summary, the available evidence is currently insufficient to determine the role of this variant in disease. Therefore, it has been classified as a Variant of Uncertain Significance. Advanced modeling of protein sequence and biophysical properties (such as structural, functional, and spatial information, amino acid conservation, physicochemical variation, residue mobility, and thermodynamic stability) performed at Invitae indicates that this missense variant is not expected to disrupt ZEB2 protein function. This variant has not been reported in the literature in individuals affected with ZEB2-related conditions. This variant is not present in population databases (gnomAD no frequency). This sequence change replaces proline, which is neutral and non-polar, with leucine, which is neutral and non-polar, at codon 506 of the ZEB2 protein (p.Pro506Leu).